The following is an entry in ClinVar:

ClinVar aggregate classification (germline): Uncertain significance (1 of 4 stars; one submission).

Allele frequency attached by ClinVar (database versions not stated): TOPMed below 0.00001.
gnomAD v4.1: 1 of 1,551,340 alleles (0.000064%); highest among the groups gnomAD compares: Non-Finnish European, 0.000087%; no homozygotes.

Submission:

Labcorp Genetics (formerly Invitae), Labcorp
Classification: Uncertain significance. Last evaluated: 2022-03-19. Review status: criteria provided, single submitter. Criteria: Invitae Variant Classification Sherloc (09022015). Collection method: clinical testing. Allele origin: germline.
Comment: In summary, the available evidence is currently insufficient to determine the role of this variant in disease. Therefore, it has been classified as a Variant of Uncertain Significance. Algorithms developed to predict the effect of missense changes on protein structure and function are either unavailable or do not agree on the potential impact of this missense change (SIFT: "Deleterious"; PolyPhen-2: "Probably Damaging"; Align-GVGD: "Class C0"). This variant has not been reported in the literature in individuals affected with EYS-related conditions. This variant is not present in population databases (gnomAD no frequency). This sequence change replaces serine, which is neutral and polar, with proline, which is neutral and non-polar, at codon 2705 of the EYS protein (p.Ser2705Pro).

NM_001142800.2(EYS):c.8113T>C (p.Ser2705Pro)

Gene: EYS (EGF-like photoreceptor maintenance factor; minus strand). Cytogenetic location: 6q12.
Variant type: single nucleotide variant.
Coding change: c.8113T>C on transcript NM_001142800.2 (MANE Select); coding-DNA position 8113, T replaced by C.
Protein change: p.Ser2705Pro; replaces serine 2705 with proline.
Molecular consequence: missense variant.
Genome position (GRCh38, 1-based): chr6:63,726,639, A>G on the plus strand (T>C on the coding strand, the complement: EYS is on the minus strand). VCF-style: chr6-63726639-A-G. GRCh37 (hg19) VCF-style: chr6-64436532-A-G.
Other names: c.8176T>C, p.Ser2726Pro (NM_001292009.2); short protein forms S2726P, S2705P.
Identifiers: ClinVar variation 1415853 (VCV001415853.8), dbSNP rs1325363549, ClinGen allele CA364386299.
Genomic context (GRCh38, chr6:63,726,639, plus strand): 5'-GAAACTGCAATTGAATATGTGTCTTTTTTCGAACATGAAAGGAAGCAAAAGACATCCAGG[A>G]TAACTCATTGCTTCTGAAAGATGGATCACTTATGGATAAAGCTGAGGGAAGGAGAGAAAG-3'
Protein context (NP_001136272.1, residues 2695-2715): SDPSFRSNEL[Ser2705Pro]WMSFASFHVR